The following is an entry in ClinVar:

ClinVar aggregate classification (germline): Uncertain significance. Review status: criteria provided, multiple submitters, no conflicts (2 of 4 stars). 2 submissions from 2 submitters: Uncertain significance (2). Last evaluated 2024-09-03.

Conditions:
Gorlin syndrome. Also called: Basal cell nevus syndrome; Nevoid Basal Cell Carcinoma Syndrome. Identifiers: Orphanet 377, MedGen C0004779, MONDO:0007187.
Basal cell carcinoma, susceptibility to, 1. Also called: BCC1. Identifiers: MedGen C2751544, MONDO:0011556, OMIM 605462.
Medulloblastoma (MDB). Also called: Medulloblastoma, somatic; MEDULLOBLASTOMA PREDISPOSITION SYNDROME. Identifiers: Orphanet 616, MedGen C0025149, MeSH D008527, MONDO:0007959, OMIM 155255, HP:0002885.

Allele frequency attached by ClinVar (database versions not stated): TOPMed 0.00001; gnomAD exomes 0.00002.
gnomAD v4.1: 54 of 1,548,998 alleles (0.0035%); highest among the groups gnomAD compares: Admixed American, 0.0059%; no homozygotes.

Submissions (2):

Labcorp Genetics (formerly Invitae), Labcorp
Classification: Uncertain significance for Gorlin syndrome. Last evaluated: 2024-09-03. Review status: criteria provided, single submitter. Criteria: Invitae Variant Classification Sherloc (09022015). Collection method: clinical testing. Allele origin: germline.
Comment: This sequence change replaces leucine, which is neutral and non-polar, with valine, which is neutral and non-polar, at codon 7 of the PTCH2 protein (p.Leu7Val). This variant is present in population databases (no rsID available, gnomAD 0.009%). This variant has not been reported in the literature in individuals affected with PTCH2-related conditions. ClinVar contains an entry for this variant (Variation ID: 453931). An algorithm developed to predict the effect of missense changes on protein structure and function (PolyPhen-2) suggests that this variant is likely to be tolerated. In summary, the available evidence is currently insufficient to determine the role of this variant in disease. Therefore, it has been classified as a Variant of Uncertain Significance.

Fulgent Genetics
Classification: Uncertain significance for Basal cell nevus syndrome 1; Medulloblastoma; Basal cell carcinoma, susceptibility to, 1. Last evaluated: 2018-10-31. Review status: criteria provided, single submitter. Criteria: ACMG Guidelines, 2015. Collection method: clinical testing. Allele origin: unknown.

NM_003738.5(PTCH2):c.19C>G (p.Leu7Val)

Gene: PTCH2 (patched 2; minus strand). Cytogenetic location: 1p34.1.
Variant type: single nucleotide variant.
Coding change: c.19C>G on transcript NM_003738.5 (MANE Select); coding-DNA position 19, C replaced by G.
Protein change: p.Leu7Val; replaces leucine 7 with valine.
Molecular consequence: missense variant.
Genome position (GRCh38, 1-based): chr1:44,842,914, G>C on the plus strand (C>G on the coding strand, the complement: PTCH2 is on the minus strand). VCF-style: chr1-44842914-G-C. GRCh37 (hg19) VCF-style: chr1-45308586-G-C.
Other names: c.19C>G, p.Leu7Val (NM_001166292.2); short protein forms L7V.
Identifiers: ClinVar variation 453931 (VCV000453931.10), dbSNP rs1030456781, ClinGen allele CA21760515.
Genomic context (GRCh38, chr1:44,842,914, plus strand): 5'-TACTCACCTGGGGTGCTGCGGTTCGAGCTGGGGGTGTGTAACTCGGGGGCAGCTCTCTGA[G>C]GGGCGGCGATCGAGTCATGCTGGCGGGGATGGGGGGCGCGGGCGCCCCCAACCCGCGTTA-3'
Protein context (NP_003729.3, residues 1-17): MTRSPP[Leu7Val]RELPPSYTPP